The following is an entry in ClinVar:

NM_001130438.3(SPTAN1):c.2206G>A (p.Gly736Ser)

Gene: SPTAN1 (spectrin alpha, non-erythrocytic 1; plus strand). Cytogenetic location: 9q34.11.
Variant type: single nucleotide variant.
Coding change: c.2206G>A on transcript NM_001130438.3 (MANE Select); coding-DNA position 2206, G replaced by A.
Protein change: p.Gly736Ser; replaces glycine 736 with serine.
Molecular consequence: missense variant.
Genome position (GRCh38, 1-based): chr9:128,584,294, G>A. VCF-style: chr9-128584294-G-A. GRCh37 (hg19) VCF-style: chr9-131346573-G-A.
Other names: c.2206G>A, p.Gly736Ser (NM_001195532.2, NM_001363759.2, NM_001363765.2 and 5 more transcripts); c.2242G>A, p.Gly748Ser (NM_001375312.2, NM_001375318.1); short protein forms G736S, G748S.
Identifiers: ClinVar variation 2007277 (VCV002007277.4), dbSNP rs2541197288, ClinGen allele CA375057113.
Genomic context (GRCh38, chr9:128,584,294, plus strand): 5'-TAAAACCACACCCAAAGTAAAGTCTGCTCTGTCCTTTTGCATTCCCAGGACCGAATTGAT[G>A]GCATCACCATTCAGGCCCGCCAGTTCCAAGATGCTGGCCATTTTGATGCAGAAAACATCA-3'
Protein context (NP_001123910.1, residues 726-746): DVAAHQDRID[Gly736Ser]ITIQARQFQD

ClinVar aggregate classification (germline): Uncertain significance (1 of 4 stars; one submission).

Conditions:
Early-infantile DEE. Also called: Early infantile epileptic encephalopathy; Ohtahara syndrome; Early infantile epileptic encephalopathy with suppression bursts. Identifiers: Orphanet 1934, MedGen C0393706, MONDO:0800491.

Submission:

Labcorp Genetics (formerly Invitae), Labcorp
Classification: Uncertain significance for Early-infantile DEE. Last evaluated: 2022-09-30. Review status: criteria provided, single submitter. Criteria: Invitae Variant Classification Sherloc (09022015). Collection method: clinical testing. Allele origin: germline.
Comment: This sequence change replaces glycine, which is neutral and non-polar, with serine, which is neutral and polar, at codon 736 of the SPTAN1 protein (p.Gly736Ser). This variant is not present in population databases (gnomAD no frequency). This variant has not been reported in the literature in individuals affected with SPTAN1-related conditions. Advanced modeling of protein sequence and biophysical properties (such as structural, functional, and spatial information, amino acid conservation, physicochemical variation, residue mobility, and thermodynamic stability) has been performed at Invitae for this missense variant, however the output from this modeling did not meet the statistical confidence thresholds required to predict the impact of this variant on SPTAN1 protein function. In summary, the available evidence is currently insufficient to determine the role of this variant in disease. Therefore, it has been classified as a Variant of Uncertain Significance.